The following is an entry in ClinVar:

NM_000478.6(ALPL):c.952C>T (p.Gln318Ter)

Gene: ALPL (alkaline phosphatase, biomineralization associated; plus strand). Cytogenetic location: 1p36.12.
Variant type: single nucleotide variant.
Coding change: c.952C>T on transcript NM_000478.6 (MANE Select); coding-DNA position 952, C replaced by T.
Protein change: p.Gln318Ter; replaces glutamine 318 with a stop codon.
Molecular consequence: nonsense.
Genome position (GRCh38, 1-based): chr1:21,573,754, C>T. VCF-style: chr1-21573754-C-T. GRCh37 (hg19) VCF-style: chr1-21900247-C-T.
Other names: c.787C>T, p.Gln263Ter (NM_001127501.4); c.721C>T, p.Gln241Ter (NM_001177520.3); c.952C>T, p.Gln318Ter (NM_001369803.2, NM_001369804.2, NM_001369805.2); short protein forms Q241*, Q263*, Q318*.
Identifiers: ClinVar variation 2627376 (VCV002627376.4), dbSNP rs752356218, ClinGen allele CA338880350.
Genomic context (GRCh38, chr1:21,573,754, plus strand): 5'-GAGCTGAACAGGAACAACGTGACGGACCCGTCACTCTCCGAGATGGTGGTGGTGGCCATC[C>T]AGATCCTGCGGAAGAACCCCAAAGGCTTCTTCTTGCTGGTGGAAGGTAGGGACCCCGGGT-3'

ClinVar aggregate classification (germline): Pathogenic/Likely pathogenic. Review status: criteria provided, multiple submitters, no conflicts (2 of 4 stars). 3 submissions from 3 submitters: Pathogenic (2); Likely pathogenic (1). Last evaluated 2026-09-01.

Conditions:
Infantile hypophosphatasia. Identifiers: Orphanet 247651, Orphanet 436, MedGen C0268412, MONDO:1010169, OMIM 241500, MONDO:0009427.
Hypophosphatasia. Also called: Phosphoethanol-aminuria. Identifiers: Orphanet 436, MedGen C0020630, MeSH D007014, MONDO:0018570.

Submissions (3):

Genomenon, Inc
Classification: Pathogenic for Hypophosphatasia. Last evaluated: 2026-09-01. Review status: criteria provided, single submitter. Criteria: Genomenon Sequence Variant Interpretation Standards - Updated. Collection method: curation. Allele origin: germline. Affected: yes.
Comment: ALPL p.Gln318Ter (c.952C>T) is a nonsense variant that introduces a premature stop codon at amino acid position 318 and is predicted to result in a truncated or absent protein product. This variant has been observed in at least one proband affected with an ALPL-related disorder (PMID:32973344). It is absent or not present at a significant frequency in gnomAD. In conclusion, we classify ALPL p.Gln318Ter (c.952C>T) as a pathogenic variant.

JKU Lab, Dept of Paediatrics, Johannes Kepler University
Classification: Pathogenic for Hypophosphatasia. Last evaluated: 2025-04-24. Review status: criteria provided, single submitter. Criteria: ACMG Guidelines, 2015. Collection method: clinical testing. Allele origin: germline. Affected: yes.
Comment: This nonsense variant is not present in GnomAD 4.1 and affects a highly conserved amino acid, not in the active site domain. Splice-prediction algorithms predict no effect on splicing. This variant has been reported in the literature in individuals affected with ALPL-related conditions (PMID 32973344). The applied ACMG criteria can be viewed at an online resource

Kasturba Medical College, Manipal, Kasturba Medical College, Manipal, Manipal Academy of Higher Education, Manipal, India
Classification: Likely pathogenic for Infantile hypophosphatasia. Review status: criteria provided, single submitter. Criteria: ACMG Guidelines, 2015. Collection method: clinical testing. Allele origin: unknown. Inheritance: Autosomal recessive inheritance. Affected: no. Observed: 1 heterozygote.

Literature cited by the submitters: PubMed 32973344 (cited by Genomenon, Inc and JKU Lab, Dept of Paediatrics, Johannes Kepler University).